The following is an entry in ClinVar:

ClinVar aggregate classification (germline): Benign. Review status: reviewed by expert panel (3 of 4 stars). 33 submissions from 33 submitters: Benign (1). 32 of the submissions do not count toward it. Last evaluated 2025-06-11.

Conditions:
ATM-related cancer predisposition. Also called: ATM-related cancer susceptibility. Identifiers: MedGen CN377759, MONDO:0700270.
Breast and/or ovarian cancer. Identifiers: MedGen CN221562.
Hereditary cancer-predisposing syndrome. Also called: Neoplastic Syndromes, Hereditary; Hereditary Cancer Syndrome; Tumor predisposition; Hereditary neoplastic syndrome. Identifiers: Orphanet 140162, MedGen C0027672, MeSH D009386, MONDO:0015356.
Familial cancer of breast. Also called: hereditary breast carcinoma; BREAST CANCER, FAMILIAL; Hereditary breast cancer. Identifiers: Orphanet 227535, MedGen C0346153, MONDO:0016419, OMIM 114480. Disease mechanism: loss of function.
Ataxia-telangiectasia syndrome (AT). Also called: LOUIS-BAR SYNDROME; Cerebello-oculocutaneous telangiectasia; Immunodeficiency with ataxia telangiectasia; Ataxia-telangiectasia, complementation group E; Ataxia telangiectasia (A-T); Ataxia-telangiectasia, complementation group D. Identifiers: Orphanet 100, MedGen C0004135, MONDO:0008840, OMIM 208900.
Malignant tumor of breast. Also called: Malignant breast neoplasm; Cancer breast. Identifiers: MedGen C0006142, MONDO:0007254. Disease mechanism: loss of function.

Allele frequency attached by ClinVar (database versions not stated): ESP Exome Variant Server 0.00031; gnomAD 0.00034 and 0.00042; TOPMed 0.00037; 1000 Genomes Project 30x 0.00047; 1000 Genomes Project 0.00060; gnomAD exomes 0.00083 and 0.00095; ExAC 0.00125.

Submissions 1 to 14 of 33:

ClinGen Hereditary Breast, Ovarian and Pancreatic Cancer Variant Curation Expert Panel, ClinGen
Classification: Benign for ATM-related cancer predisposition. Last evaluated: 2025-06-11. Review status: reviewed by expert panel. Criteria: ClinGen HBOP ACMG Specifications ATM V1.3.0. Collection method: curation. Allele origin: germline. Inheritance: Autosomal dominant inheritance.
Comment: The c.2932T>C variant in ATM is a missense variant predicted to cause substitution of serine by proline at amino acid 978 (p.Ser978Pro). This variant has been observed with the variant c.8395_8404del (p.F2799Kfs*4) which is classified as pathogenic by the HBOP VCEP (ClinVar SCV005627268.1) in one individual with Ataxia-Telangiectasia and 6 individuals with no features of Ataxia-Telangiectasia (PMID: 26896183, Ambry internal data) (PM3/BP2 points: +2). The phase of the variants was suspected to be in cis by family testing. This variant has also been observed with other pathogenic ATM variants in 21 individuals with no features of Ataxia-Telangiectasia (Ambry internal data) (PM3/BP2 points: -42) (BP2_Strong met, -40 points). The highest population minor allele frequency in gnomAD v4.1.0 is 0.004874 in the South Asian population, which is higher than the ClinGen HBOP VCEP threshold (>0.0005) for BS1, and therefore meets this criterion. The computational predictor REVEL gives a score of 0.87, which is above the threshold of 0.733, evidence that correlates with impact to ATM function (PP3). Although there are both pathogenic and benign types of evidence for this variant, the pathogenic evidence is not considered inconsistent with the final classification. In summary, this variant meets the criteria to be classified as benign for autosomal dominant ATM-related cancer predisposition and autosomal recessive Ataxia-Telangiectasia based on the ACMG/AMP criteria applied as specified by the HBOP VCEP. (BS1, BP2_strong, PP3)

CeGaT Center for Human Genetics Tuebingen
Classification: Likely benign. Last evaluated: 2026-09-01. Review status: criteria provided, single submitter. Criteria: CeGaT Center For Human Genetics Tuebingen Variant Classification Criteria Version 2. Collection method: clinical testing. Allele origin: germline. Affected: yes. Observed: 19 variant alleles. Not counted in ClinVar's aggregate classification.
Comment: ATM: BS1

Labcorp Genetics (formerly Invitae), Labcorp
Classification: Benign for Ataxia-telangiectasia syndrome. Last evaluated: 2026-02-04. Review status: criteria provided, single submitter. Criteria: Invitae Variant Classification Sherloc (09022015). Collection method: clinical testing. Allele origin: germline. Not counted in ClinVar's aggregate classification.

Center for Genomic Medicine, Rigshospitalet, Copenhagen University Hospital
Classification: Benign. Last evaluated: 2025-12-29. Review status: criteria provided, single submitter. Criteria: ACMG Guidelines, 2015. Collection method: clinical testing. Allele origin: germline. Not counted in ClinVar's aggregate classification.

Mayo Clinic Laboratories, Mayo Clinic
Classification: Benign. Last evaluated: 2025-09-04. Review status: criteria provided, single submitter. Criteria: ACMG Guidelines, 2015. Collection method: clinical testing. Allele origin: germline. Observed: 6 variant alleles. Not counted in ClinVar's aggregate classification.
Comment: BS1, BP2_strong

Molecular Diagnostics Laboratory, Catalan Institute of Oncology
Classification: Likely benign for Hereditary cancer-predisposing syndrome. Last evaluated: 2025-02-12. Review status: criteria provided, single submitter. Criteria: ClinGen ACMG Specifications ATM V1.1.0. Collection method: clinical testing. Allele origin: germline. Not counted in ClinVar's aggregate classification.
Comment: PP3, BS1, BP2_Moderate c.2932T>C, located in exon 20 of the ATM gene, is predicted to result in the substitution of Ser by Pro at codon 978, p.(Ser978Pro). The variant allele was found in 151/30520 alleles (and 2 homozygotes), with a filter allele frequency of 0.43% at 95% confidence, within the South Asian population in the gnomAD v2.1.1 database (non-cancer data set) (BS1, BP2_Moderate). The SpliceAI algorithm predicts no significant impact on splicing and the REVEL meta-predictor score for this variant (0.874) suggests a deleterious effect on protein function (PP3). This variant has been reported in an AT patient in co-ocurrence with a truncating ATM germline mutation, c.8395_8404del; p.(Phe2799Lysfs*4), but the phase of the variants were unknown (PMID: 22649200). This variant has been reported in the ClinVar (10x benign, 10x likely benign, 9x uncertain significance) and in the LOVD database (1x benign, 2x likely benign, 6x uncertain significance). Based on currently available information, the variant c.2932T>C should be considered a likely benign variant.

Blueprint Genetics
Classification: Likely benign. Last evaluated: 2024-11-13. Review status: criteria provided, single submitter. Criteria: ACMG Guidelines, 2015. Collection method: clinical testing. Allele origin: germline. Not counted in ClinVar's aggregate classification.

Dr.Nikuei Genetic Center
Classification: Benign for Ataxia-telangiectasia syndrome. Last evaluated: 2024-07-10. Review status: criteria provided, single submitter. Criteria: ACMG Guidelines, 2015. Collection method: clinical testing. Allele origin: germline. Affected: no. Not counted in ClinVar's aggregate classification.

Myriad Genetics, Inc.
Classification: Benign for Familial cancer of breast. Last evaluated: 2024-05-10. Review status: criteria provided, single submitter. Criteria: Myriad Autosomal Dominant, Autosomal Recessive and X-Linked Classification Criteria (2023). Collection method: clinical testing. Allele origin: unknown. Not counted in ClinVar's aggregate classification.
Comment: This variant is considered benign. This variant has been observed at a population frequency that is significantly greater than expected given the associated disease prevalence and penetrance. This variant is strongly associated with less severe personal and family histories of cancer, typical for individuals without pathogenic variants in this gene [PMID: 25085752].

Mendelics
Classification: Likely benign for Ataxia-telangiectasia syndrome. Last evaluated: 2024-04-09. Review status: criteria provided, single submitter. Criteria: ACMG Guidelines, 2015. Collection method: clinical testing. Allele origin: unknown. Not counted in ClinVar's aggregate classification.

Genomic Medicine Center of Excellence, King Faisal Specialist Hospital and Research Centre
Classification: Benign for Ataxia-telangiectasia syndrome. Last evaluated: 2024-03-26. Review status: criteria provided, single submitter. Criteria: ACMG Guidelines, 2015. Collection method: clinical testing. Allele origin: germline. Not counted in ClinVar's aggregate classification.

Quest Diagnostics Nichols Institute San Juan Capistrano
Classification: Benign. Last evaluated: 2023-08-29. Review status: criteria provided, single submitter. Criteria: Quest Diagnostics criteria. Collection method: clinical testing. Allele origin: unknown. Not counted in ClinVar's aggregate classification.

CHEO Genetics Diagnostic Laboratory, Children's Hospital of Eastern Ontario
Classification: Likely benign for Breast and/or ovarian cancer. Last evaluated: 2023-06-05. Review status: criteria provided, single submitter. Criteria: ACMG Guidelines, 2015. Collection method: clinical testing. Allele origin: germline. Not counted in ClinVar's aggregate classification.

Institute for Clinical Genetics, University Hospital TU Dresden, University Hospital TU Dresden
Classification: Likely benign. Last evaluated: 2021-11-03. Review status: criteria provided, single submitter. Criteria: ACMG Guidelines, 2015. Collection method: clinical testing. Allele origin: germline. Not counted in ClinVar's aggregate classification.

NM_000051.4(ATM):c.2932T>C (p.Ser978Pro)

Gene: ATM (ATM serine/threonine kinase; plus strand). Cytogenetic location: 11q22.3.
Variant type: single nucleotide variant.
Coding change: c.2932T>C on transcript NM_000051.4 (MANE Select); coding-DNA position 2932, T replaced by C.
Protein change: p.Ser978Pro; replaces serine 978 with proline.
Molecular consequence: missense variant.
Genome position (GRCh38, 1-based): chr11:108,271,261, T>C. VCF-style: chr11-108271261-T-C. GRCh37 (hg19) VCF-style: chr11-108141988-T-C.
Other names: p.S978P:TCT>CCT; NM_000051.4(ATM):c.2932T>C; c.2932T>C, p.Ser978Pro (NM_001351834.2); short protein forms S978P.
Identifiers: ClinVar variation 127362 (VCV000127362.103), dbSNP rs139552233, ClinGen allele CA286788.